The following is an entry in ClinVar:

NM_033337.3(CAV3):c.27C>T (p.Leu9=)

Gene: CAV3 (caveolin 3; plus strand). Cytogenetic location: 3p25.3.
Variant type: single nucleotide variant.
Coding change: c.27C>T on transcript NM_033337.3 (MANE Select); coding-DNA position 27, C replaced by T.
Protein change: p.Leu9=; no amino-acid change (leucine 9 retained).
Molecular consequence: synonymous variant.
Genome position (GRCh38, 1-based): chr3:8,733,903, C>T. VCF-style: chr3-8733903-C-T. GRCh37 (hg19) VCF-style: chr3-8775589-C-T.
Other names: p.Leu9=; c.27C>T, p.Leu9= (NM_001234.5).
Identifiers: ClinVar variation 31716 (VCV000031716.38), dbSNP rs1974763, ClinGen allele CA138569.

ClinVar aggregate classification (germline): Benign/Likely benign. Review status: criteria provided, multiple submitters, no conflicts (2 of 4 stars). 15 submissions from 15 submitters: Benign (10); Likely benign (1). 4 of the submissions do not count toward it. Last evaluated 2026-02-04.

Conditions:
Cardiovascular phenotype. Identifiers: MedGen CN230736.
Long QT syndrome (LQTS). Identifiers: MedGen C0023976, MeSH D008133, MONDO:0002442. Disease mechanism: loss of function. Inheritance: Various modes of inheritance.
Caveolinopathy. Identifiers: Orphanet 207078, MedGen C5679790, MONDO:0016146.

Allele frequency attached by ClinVar (database versions not stated): 1000 Genomes Project 0.04253; 1000 Genomes Project 30x 0.04357; TOPMed 0.07787; gnomAD 0.08242 and 0.08452; gnomAD exomes 0.08555 and 0.11567; ExAC 0.08729; ESP Exome Variant Server 0.09150.
gnomAD v4.1: 179,865 of 1,610,152 alleles (11%); highest among the groups gnomAD compares: Non-Finnish European, 13%; 11,775 homozygotes.

Submissions (15):

Labcorp Genetics (formerly Invitae), Labcorp
Classification: Benign for Long QT syndrome. Last evaluated: 2026-02-04. Review status: criteria provided, single submitter. Criteria: Invitae Variant Classification Sherloc (09022015). Collection method: clinical testing. Allele origin: germline.

Blueprint Genetics
Classification: Benign. Last evaluated: 2024-11-26. Review status: criteria provided, single submitter. Criteria: ACMG Guidelines, 2015. Collection method: clinical testing. Allele origin: germline.

Athena Diagnostics
Classification: Benign. Last evaluated: 2021-04-28. Review status: criteria provided, single submitter. Criteria: Athena Diagnostics Criteria. Collection method: clinical testing. Allele origin: unknown.

Illumina Laboratory Services, Illumina
Classification: Benign for Caveolinopathy. Last evaluated: 2018-01-13. Review status: criteria provided, single submitter. Criteria: ICSL Variant Classification Criteria 13 December 2019. Collection method: clinical testing. Allele origin: germline.
Comment: This variant was observed in the ICSL laboratory as part of a predisposition screen in an ostensibly healthy population. It had not been previously curated by ICSL or reported in the Human Gene Mutation Database (HGMD: prior to June 1st, 2018), and was therefore a candidate for classification through an automated scoring system. Utilizing variant allele frequency, disease prevalence and penetrance estimates, and inheritance mode, an automated score was calculated to assess if this variant is too frequent to cause the disease. Based on the score and internal cut-off values, a variant classified as benign is not then subjected to further curation. The score for this variant resulted in a classification of benign for this disease.

Mayo Clinic Laboratories, Mayo Clinic
Classification: Benign. Last evaluated: 2017-07-24. Review status: criteria provided, single submitter. Criteria: ACMG Guidelines, 2015. Collection method: clinical testing. Allele origin: germline. Observed: 435 variant alleles.

Ambry Genetics
Classification: Benign for Cardiovascular phenotype. Last evaluated: 2015-06-19. Review status: criteria provided, single submitter. Criteria: Ambry Variant Classification Scheme 2023. Collection method: clinical testing. Allele origin: germline.

GeneDx
Classification: Benign. Last evaluated: 2015-03-03. Review status: criteria provided, single submitter. Criteria: GeneDx Variant Classification Process June 2021. Collection method: clinical testing. Allele origin: germline. Affected: yes.

Eurofins Ntd Llc (ga)
Classification: Benign. Last evaluated: 2013-07-29. Review status: criteria provided, single submitter. Criteria: EGL Classification Definitions 2015. Collection method: clinical testing. Allele origin: germline. Observed: 20 variant alleles, 18 heterozygotes, 2 homozygotes.

Laboratory for Molecular Medicine, Mass General Brigham Personalized Medicine
Classification: Benign. Last evaluated: 2012-04-20. Review status: criteria provided, single submitter. Criteria: LMM Criteria. Collection method: clinical testing. Allele origin: germline. Observed: 282 variant alleles.
Comment: Leu9Leu in exon 1 of CAV3: This variant is not expected to have clinical signifi cance because it does not alter an amino acid residue and is not located within the splice consensus sequence. It has been identified in 12.6% (883/7020) of Eur opean American chromosomes from a broad population by the NHLBI Exome Sequencing Project (rs1974763).

Breakthrough Genomics
Classification: Likely benign. Review status: criteria provided, single submitter. Criteria: ACMG Guidelines, 2015. Collection method: not provided. Allele origin: germline. Inheritance: Autosomal recessive inheritance. Affected: yes.

PreventionGenetics, part of Exact Sciences
Classification: Benign. Review status: criteria provided, single submitter. Criteria: ACMG Guidelines, 2015. Collection method: clinical testing. Allele origin: germline.

Leiden Muscular Dystrophy (CAV3)
No classification provided. Last evaluated: 2012-04-15. Review status: no classification provided. Collection method: curation. Allele origin: germline. Not counted in ClinVar's aggregate classification.

Clinical Genetics, Academic Medical Center
Classification: Benign. Review status: no assertion criteria provided. Collection method: clinical testing. Allele origin: germline. Affected: yes. Study: VKGL Data-share Consensus. Not counted in ClinVar's aggregate classification.

Genetic Services Laboratory, University of Chicago
Classification: Likely benign for AllHighlyPenetrant. Review status: no assertion criteria provided. Collection method: clinical testing. Allele origin: germline. Inheritance: Autosomal dominant inheritance. Not counted in ClinVar's aggregate classification.
Comment: Likely benign based on allele frequency in 1000 Genomes Project or ESP global frequency and its presence in a patient with a rare or unrelated disease phenotype. NOT Sanger confirmed.

Genome Diagnostics Laboratory, University Medical Center Utrecht
Classification: Benign. Review status: no assertion criteria provided. Collection method: clinical testing. Allele origin: germline. Affected: yes. Study: VKGL Data-share Consensus. Not counted in ClinVar's aggregate classification.